The following is an entry in ClinVar:

NM_000400.4(ERCC2):c.971G>C (p.Arg324Pro)

Gene: ERCC2 (ERCC excision repair 2, TFIIH core complex helicase subunit; minus strand). Cytogenetic location: 19q13.32.
Variant type: single nucleotide variant.
Coding change: c.971G>C on transcript NM_000400.4 (MANE Select); coding-DNA position 971, G replaced by C.
Protein change: p.Arg324Pro; replaces arginine 324 with proline.
Molecular consequence: missense variant.
Genome position (GRCh38, 1-based): chr19:45,363,890, C>G on the plus strand (G>C on the coding strand, the complement: ERCC2 is on the minus strand). VCF-style: chr19-45363890-C-G. GRCh37 (hg19) VCF-style: chr19-45867148-C-G.
Other names: c.899G>C, p.Arg300Pro (NM_001130867.2); short protein forms R300P, R324P.
Identifiers: ClinVar variation 2566693 (VCV002566693.2), dbSNP rs892942500, ClinGen allele CA406373076.

ClinVar aggregate classification (germline): Uncertain significance (1 of 4 stars; one submission).

Conditions:
Inborn genetic diseases. Identifiers: MedGen C0950123, MeSH D030342.

Submission:

Ambry Genetics
Classification: Uncertain significance for Inborn genetic diseases. Last evaluated: 2023-05-03. Review status: criteria provided, single submitter. Criteria: Ambry Variant Classification Scheme 2023. Collection method: clinical testing. Allele origin: germline.
Comment: The p.R324P variant (also known as c.971G>C), located in coding exon 11 of the ERCC2 gene, results from a G to C substitution at nucleotide position 971. The arginine at codon 324 is replaced by proline, an amino acid with dissimilar properties. This amino acid position is conserved. In addition, this alteration is predicted to be deleterious by in silico analysis. Since supporting evidence is limited at this time, the clinical significance of this alteration remains unclear.